The following is an entry in ClinVar:

NM_000784.4(CYP27A1):c.1029_1032dup (p.Thr345fs)

Gene: CYP27A1 (cytochrome P450 family 27 subfamily A member 1; plus strand). Cytogenetic location: 2q35.
Variant type: Duplication.
Coding change: c.1029_1032dup on transcript NM_000784.4 (MANE Select); coding-DNA positions 1029 to 1032, 4 bases duplicated (GCTG; older notation c.1029_1032dupGCTG).
Protein change: p.Thr345fs; shifts the reading frame from threonine 345.
Molecular consequence: frameshift variant.
Genome position (GRCh38, 1-based): chr2:218,814,032-218,814,035, GCTG duplicated. VCF-style (leftmost placement, unchanged base first): chr2-218814031-C-CGCTG. GRCh37 (hg19) VCF-style: chr2-219678754-C-CGCTG.
Other names: short protein forms T345fs.
Identifiers: ClinVar variation 5014537 (VCV005014537.1).

ClinVar aggregate classification (germline): Pathogenic (1 of 4 stars; one submission).

Conditions:
Cholestanol storage disease (CTX). Also called: CEREBRAL CHOLESTERINOSIS; Cerebrotendinous Xanthomatosis; CTX: Cerebrotendinous xanthomatosis. Identifiers: Orphanet 909, MedGen C0238052, MONDO:0008948, OMIM 213700.

Submission:

Myriad Genetics, Inc.
Classification: Pathogenic for Cholestanol storage disease. Last evaluated: 2025-05-31. Review status: criteria provided, single submitter. Criteria: Myriad Autosomal Dominant, Autosomal Recessive and X-Linked Classification Criteria (2023). Collection method: clinical testing. Allele origin: unknown.
Comment: NM_000784.3(CYP27A1):c.1029_1032dupGCTG(T345Afs*13) is expected to be pathogenic in the context of cerebrotendinous xanthomatosis. This variant is predicted to lead to an abnormal or absent protein product due to the creation of a premature termination codon in CYP27A1, a gene where loss-of-function variants are known to be pathogenic. Please note: this variant was assessed in the context of healthy population screening.